The following is an entry in ClinVar:

NM_001257096.2(PAX1):c.1282+12A>C

Gene: PAX1 (paired box 1; plus strand). Cytogenetic location: 20p11.22.
Variant type: single nucleotide variant.
Coding change: c.1282+12A>C on transcript NM_001257096.2 (MANE Select); 12 bases into the intron after coding-DNA position 1282, A replaced by C.
Molecular consequence: intron variant.
Genome position (GRCh38, 1-based): chr20:21,709,456, A>C. VCF-style: chr20-21709456-A-C. GRCh37 (hg19) VCF-style: chr20-21690094-A-C.
Other names: c.1282+12A>C (NM_006192.5).
Identifiers: ClinVar variation 445455 (VCV000445455.38), dbSNP rs368123079, ClinGen allele CA9786740.

ClinVar aggregate classification (germline): Conflicting classifications of pathogenicity. Review status: criteria provided, conflicting classifications (1 of 4 stars). 6 submissions from 6 submitters: Uncertain significance (1); Benign (2); Likely benign (3). Last evaluated 2026-04-08.

Allele frequency attached by ClinVar (database versions not stated): 1000 Genomes Project 0.00040; 1000 Genomes Project 30x 0.00047; ESP Exome Variant Server 0.00191; ExAC 0.00213; gnomAD exomes 0.00261 and 0.00527; TOPMed 0.00288; gnomAD 0.00316 and 0.00327.
gnomAD v4.1: 7,545 of 1,509,864 alleles (0.5%); highest among the groups gnomAD compares: Non-Finnish European, 0.63%; 22 homozygotes.

Submissions (6):

Women's Health and Genetics/Laboratory Corporation of America, LabCorp
Classification: Benign. Last evaluated: 2026-04-08. Review status: criteria provided, single submitter. Criteria: LabCorp Variant Classification Summary - May 2015. Collection method: clinical testing. Allele origin: germline.
Comment: Variant summary: PAX1 c.1282+12A>C alters a non-conserved nucleotide located at a position not widely known to affect splicing. Consensus agreement among computation tools predict no significant impact on normal splicing. However, these predictions have yet to be confirmed by functional studies. The variant allele was found at a frequency of 0.0026 in 118064 control chromosomes, predominantly at a frequency of 0.0057 within the Non-Finnish European subpopulation in the gnomAD database. The observed variant frequency within Non-Finnish European control individuals in the gnomAD database exceeds the estimated maximal expected allele frequency for disease-causing variants in PAX1. c.1282+12A>C has been observed in at least one individual affected with a complex phenotype that includes Klippel-Feil syndrome, without strong evidence of causality (example: McGaughran_2003). This report does not provide unequivocal conclusions about association of the variant with Otofaciocervical syndrome 2. To our knowledge, no experimental evidence demonstrating an impact on protein function has been reported. The following publication has been ascertained in the context of this evaluation (PMID: 12774041). ClinVar contains an entry for this variant (Variation ID: 445455). Based on the evidence outlined above, the variant was classified as benign.

CeGaT Center for Human Genetics Tuebingen
Classification: Likely benign. Last evaluated: 2026-03-01. Review status: criteria provided, single submitter. Criteria: CeGaT Center For Human Genetics Tuebingen Variant Classification Criteria Version 2. Collection method: clinical testing. Allele origin: germline. Affected: yes. Observed: 8 variant alleles.
Comment: PAX1: BS2

Labcorp Genetics (formerly Invitae), Labcorp
Classification: Benign. Last evaluated: 2026-02-04. Review status: criteria provided, single submitter. Criteria: Invitae Variant Classification Sherloc (09022015). Collection method: clinical testing. Allele origin: germline.

Blueprint Genetics
Classification: Likely benign. Last evaluated: 2024-11-27. Review status: criteria provided, single submitter. Criteria: ACMG Guidelines, 2015. Collection method: clinical testing. Allele origin: germline.

Laboratory for Molecular Medicine, Mass General Brigham Personalized Medicine
Classification: Likely benign. Last evaluated: 2022-03-30. Review status: criteria provided, single submitter. Criteria: ACMG Guidelines, 2015. Collection method: clinical testing. Allele origin: germline.
Comment: The c.1282+12A>C variant in PAX1 is classified as likely benign because it is not located within the splice consensus sequence and computational splice prediction tools do not predict an impact on splicing. It has also been identified in 0.558% (339/60720) of European chromosomes by gnomAD and in one individual with Klippel-Feil syndrome (McGaughran 2003 PMID: 12774041). ACMG/AMP Criteria applied: BP4, BP7.

Center for Pediatric Genomic Medicine, Children's Mercy Hospital and Clinics
Classification: Uncertain significance. Last evaluated: 2017-06-01. Review status: criteria provided, single submitter. Criteria: ACMG Guidelines, 2015. Collection method: clinical testing. Allele origin: germline.

Literature cited by the submitters: PubMed 12774041 (cited by Women's Health and Genetics/Laboratory Corporation of America, LabCorp).